The following is an entry in ClinVar:

ClinVar aggregate classification (germline): Uncertain significance (1 of 4 stars; one submission).

Conditions:
Chédiak-Higashi syndrome (CHS). Also called: Chediak-Higashi Syndrome. Identifiers: Orphanet 167, MedGen C0007965, MONDO:0008963, OMIM 214500.

Allele frequency attached by ClinVar (database versions not stated): ExAC 0.00001; gnomAD exomes 0.00002.
gnomAD v4.1: 28 of 1,606,946 alleles (0.0017%); highest among the groups gnomAD compares: Non-Finnish European, 0.0021%; no homozygotes.

Submission:

Labcorp Genetics (formerly Invitae), Labcorp
Classification: Uncertain significance for Chédiak-Higashi syndrome. Last evaluated: 2022-06-19. Review status: criteria provided, single submitter. Criteria: Invitae Variant Classification Sherloc (09022015). Collection method: clinical testing. Allele origin: germline.
Comment: This sequence change replaces glycine, which is neutral and non-polar, with serine, which is neutral and polar, at codon 1378 of the LYST protein (p.Gly1378Ser). This variant is present in population databases (rs761740124, gnomAD 0.002%). This variant has not been reported in the literature in individuals affected with LYST-related conditions. Algorithms developed to predict the effect of missense changes on protein structure and function are either unavailable or do not agree on the potential impact of this missense change (SIFT: "Tolerated"; PolyPhen-2: "Probably Damaging"; Align-GVGD: "Class C0"). In summary, the available evidence is currently insufficient to determine the role of this variant in disease. Therefore, it has been classified as a Variant of Uncertain Significance.

NM_000081.4(LYST):c.4132G>A (p.Gly1378Ser)

Gene: LYST (lysosomal trafficking regulator; minus strand). Cytogenetic location: 1q42.3.
Variant type: single nucleotide variant.
Coding change: c.4132G>A on transcript NM_000081.4 (MANE Select); coding-DNA position 4132, G replaced by A.
Protein change: p.Gly1378Ser; replaces glycine 1378 with serine.
Molecular consequence: missense variant.
Genome position (GRCh38, 1-based): chr1:235,792,110, C>T on the plus strand (G>A on the coding strand, the complement: LYST is on the minus strand). VCF-style: chr1-235792110-C-T. GRCh37 (hg19) VCF-style: chr1-235955410-C-T.
Other names: c.4132G>A, p.Gly1378Ser (NM_001301365.1); short protein forms G1378S.
Identifiers: ClinVar variation 2044464 (VCV002044464.1), dbSNP rs761740124, ClinGen allele CA1466904.